The following is an entry in ClinVar:

NM_032608.7(MYO18B):c.3061-2A>C

Gene: MYO18B (myosin XVIIIB; plus strand). Cytogenetic location: 22q12.1.
Variant type: single nucleotide variant.
Coding change: c.3061-2A>C on transcript NM_032608.7 (MANE Select); the canonical splice acceptor site of the intron before coding-DNA position 3061, A replaced by C.
Molecular consequence: splice acceptor variant. On other transcripts: missense variant (1).
Genome position (GRCh38, 1-based): chr22:25,835,294, A>C. VCF-style: chr22-25835294-A-C. GRCh37 (hg19) VCF-style: chr22-26231261-A-C.
Other names: c.3062A>C, p.Gln1021Pro (NM_001318245.2); short protein forms Q1021P.
Identifiers: ClinVar variation 3621128 (VCV003621128.2).

ClinVar aggregate classification (germline): Likely pathogenic (1 of 4 stars; one submission).

gnomAD v4.1: 5 of 1,613,368 alleles (0.00031%); highest among the groups gnomAD compares: Non-Finnish European, 0.00042%; no homozygotes.

Submission:

Labcorp Genetics (formerly Invitae), Labcorp
Classification: Likely pathogenic. Last evaluated: 2024-10-03. Review status: criteria provided, single submitter. Criteria: Invitae Variant Classification Sherloc (09022015). Collection method: clinical testing. Allele origin: germline.
Comment: This sequence change affects an acceptor splice site in intron 16 of the MYO18B gene. It is expected to disrupt RNA splicing. Variants that disrupt the donor or acceptor splice site typically lead to a loss of protein function (PMID: 16199547), and loss-of-function variants in MYO18B are known to be pathogenic (PMID: 25748484, 32184166, 32637634). This variant is not present in population databases (gnomAD no frequency). This variant has not been reported in the literature in individuals affected with MYO18B-related conditions. Algorithms developed to predict the effect of sequence changes on RNA splicing suggest that this variant may disrupt the consensus splice site. In summary, the currently available evidence indicates that the variant is pathogenic, but additional data are needed to prove that conclusively. Therefore, this variant has been classified as Likely Pathogenic.

Literature cited by the submitters: PubMed 16199547; PubMed 25748484; PubMed 32184166; PubMed 32637634.